The following is an entry in ClinVar:

ClinVar aggregate classification (germline): Uncertain significance (1 of 4 stars; one submission).

Conditions:
Severe combined immunodeficiency, autosomal recessive, T cell-negative, B cell-negative, NK cell-positive. Also called: SCID, T CELL-NEGATIVE, B CELL-NEGATIVE, NK CELL-POSITIVE; SCID, AR, T-cell negative, B-cell negative, NK cell-positive; Severe combined immunodeficiency due to complete RAG1/2 deficiency. Identifiers: Orphanet 331206, MedGen C1832322, MONDO:0011086, OMIM 601457.
Combined immunodeficiency with skin granulomas. Identifiers: Orphanet 157949, MedGen C2673536, MONDO:0009306, OMIM 233650.

Allele frequency attached by ClinVar (database versions not stated): gnomAD 0.00001; TOPMed 0.00001; gnomAD exomes 0.00002.

Submission:

Labcorp Genetics (formerly Invitae), Labcorp
Classification: Uncertain significance for Combined immunodeficiency with skin granulomas; Severe combined immunodeficiency, autosomal recessive, T cell-negative, B cell-negative, NK cell-positive. Last evaluated: 2022-07-13. Review status: criteria provided, single submitter. Criteria: Invitae Variant Classification Sherloc (09022015). Collection method: clinical testing. Allele origin: germline.
Comment: This sequence change replaces threonine, which is neutral and polar, with alanine, which is neutral and non-polar, at codon 98 of the RAG2 protein (p.Thr98Ala). This variant is present in population databases (no rsID available, gnomAD 0.003%). This variant has not been reported in the literature in individuals affected with RAG2-related conditions. Advanced modeling of protein sequence and biophysical properties (such as structural, functional, and spatial information, amino acid conservation, physicochemical variation, residue mobility, and thermodynamic stability) performed at Invitae indicates that this missense variant is expected to disrupt RAG2 protein function. In summary, the available evidence is currently insufficient to determine the role of this variant in disease. Therefore, it has been classified as a Variant of Uncertain Significance.

NM_000536.4(RAG2):c.292A>G (p.Thr98Ala)

Gene: RAG2 (recombination activating 2; minus strand). Cytogenetic location: 11p12.
Variant type: single nucleotide variant.
Coding change: c.292A>G on transcript NM_000536.4 (MANE Select); coding-DNA position 292, A replaced by G.
Protein change: p.Thr98Ala; replaces threonine 98 with alanine.
Molecular consequence: missense variant.
Genome position (GRCh38, 1-based): chr11:36,593,877, T>C on the plus strand (A>G on the coding strand, the complement: RAG2 is on the minus strand). VCF-style: chr11-36593877-T-C. GRCh37 (hg19) VCF-style: chr11-36615427-T-C.
Other names: c.292A>G, p.Thr98Ala (NM_001243785.2, NM_001243786.2); short protein forms T98A.
Identifiers: ClinVar variation 2167623 (VCV002167623.1), dbSNP rs1031272217, ClinGen allele CA220580534.